The following is an entry in ClinVar:

ClinVar aggregate classification (germline): Uncertain significance. Review status: criteria provided, multiple submitters, no conflicts (2 of 4 stars). 2 submissions from 2 submitters: Uncertain significance (2). Last evaluated 2026-01-02.

Conditions:
Multiple endocrine neoplasia, type 2 (MEN2). Identifiers: Orphanet 653, MedGen C4048306, MONDO:0019003. Disease mechanism: gain of function.
Hereditary cancer-predisposing syndrome. Also called: Neoplastic Syndromes, Hereditary; Tumor predisposition; Hereditary neoplastic syndrome; Hereditary Cancer Syndrome. Identifiers: Orphanet 140162, MedGen C0027672, MeSH D009386, MONDO:0015356.

Submissions (2):

Labcorp Genetics (formerly Invitae), Labcorp
Classification: Uncertain significance for Multiple endocrine neoplasia, type 2. Last evaluated: 2026-01-02. Review status: criteria provided, single submitter. Criteria: Invitae Variant Classification Sherloc (09022015). Collection method: clinical testing. Allele origin: germline.
Comment: This sequence change replaces leucine, which is neutral and non-polar, with valine, which is neutral and non-polar, at codon 16 of the RET protein (p.Leu16Val). This variant is not present in population databases (gnomAD no frequency). This variant has not been reported in the literature in individuals affected with RET-related conditions. ClinVar contains an entry for this variant (Variation ID: 3227559). An algorithm developed to predict the effect of missense changes on protein structure and function (PolyPhen-2) suggests that this variant is likely to be tolerated. In summary, the available evidence is currently insufficient to determine the role of this variant in disease. Therefore, it has been classified as a Variant of Uncertain Significance.

Ambry Genetics
Classification: Uncertain significance for Hereditary cancer-predisposing syndrome. Last evaluated: 2023-10-13. Review status: criteria provided, single submitter. Criteria: Ambry Variant Classification Scheme 2023. Collection method: clinical testing. Allele origin: germline.
Comment: The p.L16V variant (also known as c.46C>G), located in coding exon 1 of the RET gene, results from a C to G substitution at nucleotide position 46. The leucine at codon 16 is replaced by valine, an amino acid with highly similar properties. This amino acid position is conserved. In addition, the in silico prediction for this alteration is inconclusive. Since supporting evidence is limited at this time, the clinical significance of this alteration remains unclear.

NM_020975.6(RET):c.46C>G (p.Leu16Val)

Gene: RET (ret proto-oncogene; plus strand). Cytogenetic location: 10q11.21.
Variant type: single nucleotide variant.
Coding change: c.46C>G on transcript NM_020975.6 (MANE Select); coding-DNA position 46, C replaced by G.
Protein change: p.Leu16Val; replaces leucine 16 with valine.
Molecular consequence: missense variant.
Genome position (GRCh38, 1-based): chr10:43,077,304, C>G. VCF-style: chr10-43077304-C-G. GRCh37 (hg19) VCF-style: chr10-43572752-C-G.
Other names: c.46C>G, p.Leu16Val (NM_000323.2, NM_001406743.1, NM_001406744.1 and 38 more transcripts); short protein forms L16V.
Identifiers: ClinVar variation 3227559 (VCV003227559.2), dbSNP rs1309896929, ClinGen allele CA376768081.